The following is an entry in ClinVar:

ClinVar aggregate classification (germline): Uncertain significance (1 of 4 stars; one submission).

Conditions:
Primary ciliary dyskinesia. Also called: Ciliary dyskinesia. Identifiers: Orphanet 244, MedGen C0008780, MONDO:0016575, HP:0012265.

Allele frequency attached by ClinVar (database versions not stated): gnomAD exomes below 0.00001.
gnomAD v4.1: 1 of 1,613,520 alleles (0.000062%); highest among the groups gnomAD compares: Non-Finnish European, 0.000085%; no homozygotes.

Submission:

Labcorp Genetics (formerly Invitae), Labcorp
Classification: Uncertain significance for Primary ciliary dyskinesia. Last evaluated: 2020-02-07. Review status: criteria provided, single submitter. Criteria: Invitae Variant Classification Sherloc (09022015). Collection method: clinical testing. Allele origin: germline.
Comment: This variant has not been reported in the literature in individuals with DNAH5-related disease. In summary, the available evidence is currently insufficient to determine the role of this variant in disease. Therefore, it has been classified as a Variant of Uncertain Significance. Algorithms developed to predict the effect of missense changes on protein structure and function do not agree on the potential impact of this missense change (SIFT: "Deleterious"; PolyPhen-2: "Benign"; Align-GVGD: "Class C0"). This variant is not present in population databases (ExAC no frequency). This sequence change replaces phenylalanine with leucine at codon 1371 of the DNAH5 protein (p.Phe1371Leu). The phenylalanine residue is highly conserved and there is a small physicochemical difference between phenylalanine and leucine.

NM_001369.3(DNAH5):c.4113T>G (p.Phe1371Leu)

Genes: DNAH5 (dynein axonemal heavy chain 5; minus strand), DNAH5-AS1 (DNAH5 antisense RNA 1; plus strand). Cytogenetic location: 5p15.2.
Variant type: single nucleotide variant.
Coding change: c.4113T>G on transcript NM_001369.3 (MANE Select); coding-DNA position 4113, T replaced by G.
Protein change: p.Phe1371Leu; replaces phenylalanine 1371 with leucine.
Molecular consequence: missense variant.
Genome position (GRCh38, 1-based): chr5:13,866,223, A>C on the plus strand (T>G on the coding strand, the complement: DNAH5 is on the minus strand). VCF-style: chr5-13866223-A-C. GRCh37 (hg19) VCF-style: chr5-13866332-A-C.
Other names: short protein forms F1371L.
Identifiers: ClinVar variation 582481 (VCV000582481.9), dbSNP rs1561465310, ClinGen allele CA359226110.